The following is an entry in ClinVar:

ClinVar aggregate classification (germline): Uncertain significance. Review status: criteria provided, single submitter (1 of 4 stars). 2 submissions from 2 submitters: Uncertain significance (1). 1 of the submissions does not count toward it. Last evaluated 2022-09-27.

Conditions:
Autosomal recessive retinitis pigmentosa. Identifiers: MedGen C0339526.

Allele frequency attached by ClinVar (database versions not stated): gnomAD exomes below 0.00001 and 0.00001; TOPMed below 0.00001.
gnomAD v4.1: 2 of 1,551,566 alleles (0.00013%); highest among the groups gnomAD compares: Admixed American, 0.0039%; no homozygotes.

Submissions (2):

Labcorp Genetics (formerly Invitae), Labcorp
Classification: Uncertain significance. Last evaluated: 2022-09-27. Review status: criteria provided, single submitter. Criteria: Invitae Variant Classification Sherloc (09022015). Collection method: clinical testing. Allele origin: germline.
Comment: This sequence change replaces lysine, which is basic and polar, with arginine, which is basic and polar, at codon 2958 of the EYS protein (p.Lys2958Arg). This variant is present in population databases (no rsID available, gnomAD 0.008%). This variant has not been reported in the literature in individuals affected with EYS-related conditions. ClinVar contains an entry for this variant (Variation ID: 990431). Advanced modeling of protein sequence and biophysical properties (such as structural, functional, and spatial information, amino acid conservation, physicochemical variation, residue mobility, and thermodynamic stability) has been performed at Invitae for this missense variant, however the output from this modeling did not meet the statistical confidence thresholds required to predict the impact of this variant on EYS protein function. Algorithms developed to predict the effect of sequence changes on RNA splicing suggest that this variant may create or strengthen a splice site. In summary, the available evidence is currently insufficient to determine the role of this variant in disease. Therefore, it has been classified as a Variant of Uncertain Significance.

Natera, Inc.
Classification: Uncertain significance for Autosomal recessive retinitis pigmentosa. Last evaluated: 2020-09-17. Review status: no assertion criteria provided. Collection method: clinical testing. Allele origin: germline. Not counted in ClinVar's aggregate classification.

NM_001142800.2(EYS):c.8873A>G (p.Lys2958Arg)

Genes: EYS (eyes shut homolog; minus strand), PHF3 (PHD finger protein 3; plus strand). Cytogenetic location: 6q12.
Variant type: single nucleotide variant.
Coding change: c.8873A>G on transcript NM_001142800.2 (MANE Select); coding-DNA position 8873, A replaced by G.
Protein change: p.Lys2958Arg; replaces lysine 2958 with arginine.
Molecular consequence: missense variant. On other transcripts: 3 prime UTR variant (5).
Genome position (GRCh38, 1-based): chr6:63,721,158, T>C on the plus strand (A>G on the coding strand, the complement: EYS is on the minus strand). VCF-style: chr6-63721158-T-C. GRCh37 (hg19) VCF-style: chr6-64431054-T-C.
Other names: c.*7450T>C (NM_001290259.2, NM_001370348.2, NM_001370349.2 and 2 more transcripts); c.8936A>G, p.Lys2979Arg (NM_001292009.2); short protein forms K2958R, K2979R.
Identifiers: ClinVar variation 990431 (VCV000990431.4), dbSNP rs1292738611, ClinGen allele CA364383785.